The following is an entry in ClinVar:

NM_000180.4(GUCY2D):c.2318T>C (p.Met773Thr)

Gene: GUCY2D (guanylate cyclase 2D, retinal; plus strand). Cytogenetic location: 17p13.1.
Variant type: single nucleotide variant.
Coding change: c.2318T>C on transcript NM_000180.4 (MANE Select); coding-DNA position 2318, T replaced by C.
Protein change: p.Met773Thr; replaces methionine 773 with threonine.
Molecular consequence: missense variant.
Genome position (GRCh38, 1-based): chr17:8,013,934, T>C. VCF-style: chr17-8013934-T-C. GRCh37 (hg19) VCF-style: chr17-7917252-T-C.
Other names: NM_000180.4(GUCY2D):c.2318T>C; p.Met773Thr; short protein forms M773T.
Identifiers: ClinVar variation 969309 (VCV000969309.11), dbSNP rs143650826, ClinGen allele CA8366085.
Genomic context (GRCh38, chr17:8,013,934, plus strand): 5'-CTCCAGAAGTGGTGCAGAGGGTGCGGAGCCCCCCTCCACTGTGTCGGCCCTTGGTGTCCA[T>C]GGACCAGGCACCTGTCGAGTGTATCCTCCTGATGAAGCAGTGCTGGGCAGAGCAGCCGGA-3'
Protein context (NP_000171.1, residues 763-783): PPPLCRPLVS[Met773Thr]DQAPVECILL

ClinVar aggregate classification (germline): Likely benign. Review status: reviewed by expert panel (3 of 4 stars). 6 submissions from 6 submitters: Likely benign (1). 5 of the submissions do not count toward it. Last evaluated 2025-01-30.

Conditions:
GUCY2D-related disorder. Also called: GUCY2D-related condition.
Night blindness, congenital stationary, type1i. Also called: NIGHT BLINDNESS, CONGENITAL STATIONARY, TYPE 1I. Identifiers: MedGen C5231408, MONDO:0032811, OMIM 618555.
Cone-rod dystrophy 6 (CORD6). Also called: RETINAL CONE DYSTROPHY 2; Cone dystrophy progressive. Identifiers: Orphanet 1872, MedGen C1866293, MONDO:0011143, OMIM 601777.
Leber congenital amaurosis 1 (LCA1). Also called: RETINAL BLINDNESS, CONGENITAL; AMAUROSIS CONGENITA OF LEBER I; Congenital absence of the rods and cones; Leber's congenital tapetoretinal degeneration; Leber's congenital tapetoretinal dysplasia. Identifiers: Orphanet 65, MedGen C2931258, MONDO:0008764, OMIM 204000.
Choroidal dystrophy, central areolar, 1. Identifiers: Orphanet 75377, MedGen C4551884, MONDO:0024539, OMIM 215500.
GUCY2D-related recessive retinopathy. Also called: Recessive GUCY2D retinopathy. Identifiers: MedGen CN305603, MONDO:0100453.

Allele frequency attached by ClinVar (database versions not stated): ExAC 0.00018; gnomAD 0.00019 and 0.00021; gnomAD exomes 0.00020 and 0.00054; TOPMed 0.00029; ESP Exome Variant Server 0.00069.
gnomAD v4.1: 865 of 1,612,966 alleles (0.054%); highest among the groups gnomAD compares: Non-Finnish European, 0.066%; no homozygotes.

Submissions (6):

ClinGen Leber Congenital Amaurosis/early Onset Retinal Dystrophy Variant Curation Expert Panel, ClinGen
Classification: Likely benign for GUCY2D-related recessive retinopathy. Last evaluated: 2025-01-30. Review status: reviewed by expert panel. Criteria: ClinGen LCAeoRD ACMG Specifications GUCY2D V1.0.0. Collection method: curation. Allele origin: germline. Inheritance: Autosomal recessive inheritance.
Comment: The NM_000180.4(GUCY2D):c.2318T>C (p.Met773Thr) variant is predicted to replace the methionine at position p.773 with threonine. The computational predictor REVEL gives a score of 0.113, which is below the ClinGen LCA/eoRD VCEP threshold of ≤0.183 and predicts a non-damaging effect on RetGC-1 protein function. In addition, the splicing impact predictor SpliceAI gives a delta score of 0.02, which is below the ClinGen LCA/eoRD VCEP recommended threshold of <0.1 and does not predict an impact on splicing (BP4_Moderate). This variant is present in gnomAD v4.1.0 at a Grpmax allele frequency of 0.0006248, with 783 alleles / 1179072 total alleles in the European (non-Finnish) population, which is lower than the ClinGen LCA/eoRD VCEP BS1 threshold of >0.0016 and fails to meet this criterion. This variant is present in gnomAD v.4.1.0 at a total allele frequency of 0.0005363, with 865 alleles / 1612966 total alleles, which is higher than the ClinGen LCA/eoRD VCEP PM2_Supporting threshold of <0.0004 and fails to meet this criterion. In summary, this variant meets the criteria to be classified as Likely Benign for GUCY2D-related recessive retinopathy based on the ACMG/AMP criteria applied, as specified by the ClinGen LCA/eoRD VCEP: BP4_Moderate. (VCEP specifications version 1.0.0; date of approval 01/22/2025).

PreventionGenetics, part of Exact Sciences
Classification: Uncertain significance for GUCY2D-related condition. Last evaluated: 2026-03-12. Review status: criteria provided, single submitter. Criteria: ACMG Guidelines, 2015. Collection method: clinical testing. Allele origin: germline. Not counted in ClinVar's aggregate classification.
Comment: The GUCY2D c.2318T>C variant is predicted to result in the amino acid substitution p.Met773Thr. To our knowledge, this variant has not been reported in the literature. This variant is present in 0.039% of alleles in individuals of European (Non-Finnish) descent in gnomAD, which may be too frequent to be a primary cause of autosomal dominant disease. At this time, the clinical significance of this variant is uncertain due to the absence of conclusive functional and genetic evidence.

Labcorp Genetics (formerly Invitae), Labcorp
Classification: Uncertain significance for Leber congenital amaurosis 1; Cone-rod dystrophy 6. Last evaluated: 2025-12-29. Review status: criteria provided, single submitter. Criteria: Invitae Variant Classification Sherloc (09022015). Collection method: clinical testing. Allele origin: germline. Not counted in ClinVar's aggregate classification.
Comment: This sequence change replaces methionine, which is neutral and non-polar, with threonine, which is neutral and polar, at codon 773 of the GUCY2D protein (p.Met773Thr). This variant is present in population databases (rs143650826, gnomAD 0.04%). This variant has not been reported in the literature in individuals affected with GUCY2D-related conditions. ClinVar contains an entry for this variant (Variation ID: 969309). Invitae Evidence Modeling of protein sequence and biophysical properties (such as structural, functional, and spatial information, amino acid conservation, physicochemical variation, residue mobility, and thermodynamic stability) indicates that this missense variant is not expected to disrupt GUCY2D protein function with a negative predictive value of 80%. In summary, the available evidence is currently insufficient to determine the role of this variant in disease. Therefore, it has been classified as a Variant of Uncertain Significance.

Blueprint Genetics
Classification: Uncertain significance. Last evaluated: 2024-10-16. Review status: criteria provided, single submitter. Criteria: ACMG Guidelines, 2015. Collection method: clinical testing. Allele origin: germline. Not counted in ClinVar's aggregate classification.

Fulgent Genetics
Classification: Uncertain significance for Leber congenital amaurosis 1; Choroidal dystrophy, central areolar, 1; Cone-rod dystrophy 6; Night blindness, congenital stationary, type1i. Last evaluated: 2021-10-08. Review status: criteria provided, single submitter. Criteria: ACMG Guidelines, 2015. Collection method: clinical testing. Allele origin: unknown. Not counted in ClinVar's aggregate classification.

Department of Pathology and Laboratory Medicine, Sinai Health System
Classification: Uncertain significance for Leber congenital amaurosis 1; Choroidal dystrophy, central areolar, 1; Cone-rod dystrophy 6; Night blindness, congenital stationary, type1i. Last evaluated: 2021-07-30. Review status: criteria provided, single submitter. Criteria: ACMG Guidelines, 2015. Collection method: research. Allele origin: germline. Not counted in ClinVar's aggregate classification.